The following is an entry in ClinVar:

NM_000368.5(TSC1):c.2626-21_2626-19dup

Gene: TSC1 (TSC complex subunit 1; minus strand). Cytogenetic location: 9q34.13.
Variant type: Duplication.
Coding change: c.2626-21_2626-19dup on transcript NM_000368.5 (MANE Select); 21 bases into the intron before coding-DNA position 2626 through 19 bases into the intron before coding-DNA position 2626, 3 bases duplicated (TTT; older notation c.2626-21_2626-19dupTTT).
Molecular consequence: intron variant.
Genome position (GRCh38, 1-based): chr9:132,897,614-132,897,616, AAA duplicated on the plus strand (TTT on the coding strand, the reverse complement: TSC1 is on the minus strand); duplicating any 3 consecutive bases within chr9:132,897,614-132,897,631 gives the same sequence; the c. name uses the placement nearest the transcript's 3' end. VCF-style (leftmost placement, unchanged base first): chr9-132897613-G-GAAA. GRCh37 (hg19) VCF-style: chr9-135773000-G-GAAA.
Other names: p.?; c.2626-6_2626-4dupTTT (NM_000368.4); c.2626-6_2626-4dup (NM_000368.5); c.2263-21_2263-19dup (NM_001362177.2); c.2473-21_2473-19dup (NM_001162427.2); c.2623-21_2623-19dup (NM_001162426.2); c.2626-4_2626-3insTTT (NM_000368.4).
Identifiers: ClinVar variation 365514 (VCV000365514.24), dbSNP rs5901000, ClinGen allele CA5301759.

ClinVar aggregate classification (germline): Benign/Likely benign. Review status: criteria provided, multiple submitters, no conflicts (2 of 4 stars). 12 submissions from 12 submitters: Benign (6); Likely benign (2). 4 of the submissions do not count toward it. Last evaluated 2026-01-22.

Conditions:
Tuberous sclerosis syndrome (TSC). Also called: Tuberous sclerosis; Tuberous Sclerosis Complex. Identifiers: Orphanet 805, MedGen C0041341, MONDO:0001734.
Hereditary cancer-predisposing syndrome. Also called: Tumor predisposition; Neoplastic Syndromes, Hereditary; Hereditary Cancer Syndrome; Hereditary neoplastic syndrome. Identifiers: Orphanet 140162, MedGen C0027672, MeSH D009386, MONDO:0015356.
Tuberous sclerosis 1 (TSC1). Identifiers: Orphanet 805, MedGen C1854465, MONDO:0008612, OMIM 191100.

Submissions (12):

Labcorp Genetics (formerly Invitae), Labcorp
Classification: Benign for Tuberous sclerosis 1. Last evaluated: 2026-01-22. Review status: criteria provided, single submitter. Criteria: Invitae Variant Classification Sherloc (09022015). Collection method: clinical testing. Allele origin: germline.

Blueprint Genetics
Classification: Likely benign. Last evaluated: 2024-11-26. Review status: criteria provided, single submitter. Criteria: ACMG Guidelines, 2015. Collection method: clinical testing. Allele origin: germline.

Mayo Clinic Laboratories, Mayo Clinic
Classification: Benign. Last evaluated: 2023-04-10. Review status: criteria provided, single submitter. Criteria: ACMG Guidelines, 2015. Collection method: clinical testing. Allele origin: germline. Observed: 31 variant alleles.

Genome-Nilou Lab
Classification: Likely benign for Tuberous sclerosis 1. Last evaluated: 2021-11-07. Review status: criteria provided, single submitter. Criteria: ACMG Guidelines, 2015. Collection method: clinical testing. Allele origin: germline. Affected: no.

Sema4
Classification: Benign for Hereditary cancer-predisposing syndrome. Last evaluated: 2020-03-22. Review status: criteria provided, single submitter. Criteria: Sema4 Curation Guidelines. Collection method: curation. Allele origin: germline.

GeneDx
Classification: Benign. Last evaluated: 2019-08-11. Review status: criteria provided, single submitter. Criteria: GeneDx Variant Classification Process June 2021. Collection method: clinical testing. Allele origin: germline. Affected: yes.

Color Diagnostics, LLC DBA Color Health
Classification: Benign for Tuberous sclerosis syndrome. Last evaluated: 2018-03-05. Review status: criteria provided, single submitter. Criteria: ACMG Guidelines, 2015. Collection method: clinical testing. Allele origin: germline.

Women's Health and Genetics/Laboratory Corporation of America, LabCorp
Classification: Benign. Last evaluated: 2016-05-26. Review status: criteria provided, single submitter. Criteria: LabCorp Variant Classification Summary - May 2015. Collection method: clinical testing. Allele origin: germline.
Comment: Variant summary: The TSC1 c.2626-6_2626-4dupTTT variant involves the duplication of three nucleotides in an intronic region. One in silico tool predicts a benign outcome for this variant. 5/5 splice prediction tools predict no significant impact on normal splicing. However, these predictions have yet to be confirmed by functional studies. This variant was found in 2772/80186 control chromosomes (50 homozygotes) at a frequency of 0.0345696, which greatly exceeds the estimated maximal expected allele frequency of a pathogenic TSC1 variant (0.000025), suggesting this variant is likely a benign polymorphism. The variant of interest has not, to our knowledge, been reported in affected individuals via publications and/or reputable databases/clinical diagnostic laboratories; nor evaluated for functional impact by in vivo/vitro studies. Taken together, this variant is classified as benign.

Clinical Genetics DNA and cytogenetics Diagnostics Lab, Erasmus MC, Erasmus Medical Center
Classification: Benign. Review status: no assertion criteria provided. Collection method: clinical testing. Allele origin: germline. Affected: yes. Study: VKGL Data-share Consensus. Not counted in ClinVar's aggregate classification.

Clinical Genetics, Academic Medical Center
Classification: Benign. Review status: no assertion criteria provided. Collection method: clinical testing. Allele origin: germline. Affected: yes. Study: VKGL Data-share Consensus. Not counted in ClinVar's aggregate classification.

Genome Diagnostics Laboratory, Amsterdam University Medical Center
Classification: Benign. Review status: no assertion criteria provided. Collection method: clinical testing. Allele origin: germline. Affected: yes. Study: VKGL Data-share Consensus. Not counted in ClinVar's aggregate classification.

Laboratory of Diagnostic Genome Analysis, Leiden University Medical Center (LUMC)
Classification: Benign. Review status: no assertion criteria provided. Collection method: clinical testing. Allele origin: germline. Affected: yes. Study: VKGL Data-share Consensus. Not counted in ClinVar's aggregate classification.